The following is an entry in ClinVar:

NM_001184.4(ATR):c.2648A>T (p.Asp883Val)

Gene: ATR (ATR checkpoint kinase; minus strand). Cytogenetic location: 3q23.
Variant type: single nucleotide variant.
Coding change: c.2648A>T on transcript NM_001184.4 (MANE Select); coding-DNA position 2648, A replaced by T.
Protein change: p.Asp883Val; replaces aspartic acid 883 with valine.
Molecular consequence: missense variant.
Genome position (GRCh38, 1-based): chr3:142,553,384, T>A on the plus strand (A>T on the coding strand, the complement: ATR is on the minus strand). VCF-style: chr3-142553384-T-A. GRCh37 (hg19) VCF-style: chr3-142272226-T-A.
Other names: c.2456A>T, p.Asp819Val (NM_001354579.2); short protein forms D819V, D883V.
Identifiers: ClinVar variation 3221092 (VCV003221092.1), dbSNP rs778859518, ClinGen allele CA2650299.

ClinVar aggregate classification (germline): Uncertain significance (1 of 4 stars; one submission).

Conditions:
Inborn genetic diseases. Identifiers: MedGen C0950123, MeSH D030342.

Allele frequency attached by ClinVar (database versions not stated): gnomAD exomes below 0.00001; ExAC 0.00001.
gnomAD v4.1: 2 of 1,613,312 alleles (0.00012%); highest among the groups gnomAD compares: South Asian, 0.0022%; no homozygotes.

Submission:

Ambry Genetics
Classification: Uncertain significance for Inborn genetic diseases. Last evaluated: 2023-11-30. Review status: criteria provided, single submitter. Criteria: Ambry Variant Classification Scheme 2023. Collection method: clinical testing. Allele origin: germline.
Comment: The p.D883V variant (also known as c.2648A>T), located in coding exon 13 of the ATR gene, results from an A to T substitution at nucleotide position 2648. The aspartic acid at codon 883 is replaced by valine, an amino acid with highly dissimilar properties. This amino acid position is conserved. In addition, the in silico prediction for this alteration is inconclusive. Since supporting evidence is limited at this time, the clinical significance of this alteration remains unclear.